The following is an entry in ClinVar:

ClinVar aggregate classification (germline): Uncertain significance. Review status: criteria provided, single submitter (1 of 4 stars). 2 submissions from 2 submitters: Uncertain significance (1). 1 of the submissions does not count toward it. Last evaluated 2020-08-28.

Conditions:
Usher syndrome type 1 (USH1). Also called: RETINITIS PIGMENTOSA AND CONGENITAL DEAFNESS. Identifiers: Orphanet 231169, Orphanet 886, MedGen C1568247, MONDO:0010168, OMIM 276900.

Submissions (2):

Labcorp Genetics (formerly Invitae), Labcorp
Classification: Uncertain significance. Last evaluated: 2020-08-28. Review status: criteria provided, single submitter. Criteria: Invitae Variant Classification Sherloc (09022015). Collection method: clinical testing. Allele origin: germline.
Comment: In summary, the available evidence is currently insufficient to determine the role of this variant in disease. Therefore, it has been classified as a Variant of Uncertain Significance. Algorithms developed to predict the effect of missense changes on protein structure and function are either unavailable or do not agree on the potential impact of this missense change (SIFT: "Deleterious"; PolyPhen-2: "Not Available"; Align-GVGD: "Class C0"). This variant has not been reported in the literature in individuals with CDH23-related conditions. This variant is not present in population databases (ExAC no frequency). This sequence change replaces alanine with threonine at codon 2449 of the CDH23 protein (p.Ala2449Thr). The alanine residue is highly conserved and there is a small physicochemical difference between alanine and threonine.

Natera, Inc.
Classification: Uncertain significance for Usher syndrome type 1. Last evaluated: 2025-05-08. Review status: no assertion criteria provided. Collection method: clinical testing. Allele origin: germline. Not counted in ClinVar's aggregate classification.

NM_022124.6(CDH23):c.7345G>A (p.Ala2449Thr)

Gene: CDH23 (cadherin related 23; plus strand). Cytogenetic location: 10q22.1.
Variant type: single nucleotide variant.
Coding change: c.7345G>A on transcript NM_022124.6 (MANE Select); coding-DNA position 7345, G replaced by A.
Protein change: p.Ala2449Thr; replaces alanine 2449 with threonine.
Molecular consequence: missense variant.
Genome position (GRCh38, 1-based): chr10:71,799,612, G>A. VCF-style: chr10-71799612-G-A. GRCh37 (hg19) VCF-style: chr10-73559369-G-A.
Other names: c.7345G>A (NM_022124.5); c.625G>A, p.Ala209Thr (NM_001171933.1, NM_001171934.1); short protein forms A209T, A2449T.
Identifiers: ClinVar variation 1042366 (VCV001042366.9), dbSNP rs1841500073, ClinGen allele CA377159691.
Genomic context (GRCh38, chr10:71,799,612, plus strand): 5'-GCTGACTCAGGCAACTTTGCACTCATTGAGTACAGCCTTGGAGATGGAGAGAGCAAGTTT[G>A]CCATCAACCCCACCACGGTGAGCAGTGATGGAGGGCCTGGAATTTGGAAGTGGGAAGGAC-3'
Protein context (NP_071407.4, residues 2439-2459): YSLGDGESKF[Ala2449Thr]INPTTGDIYV